The following is an entry in ClinVar:

NM_001378778.1(MPDZ):c.112T>A (p.Ser38Thr)

Gene: MPDZ (multiple PDZ domain crumbs cell polarity complex component; minus strand). Cytogenetic location: 9p23.
Variant type: single nucleotide variant.
Coding change: c.112T>A on transcript NM_001378778.1 (MANE Select); coding-DNA position 112, T replaced by A.
Protein change: p.Ser38Thr; replaces serine 38 with threonine.
Molecular consequence: missense variant.
Genome position (GRCh38, 1-based): chr9:13,247,706, A>T on the plus strand (T>A on the coding strand, the complement: MPDZ is on the minus strand). VCF-style: chr9-13247706-A-T. GRCh37 (hg19) VCF-style: chr9-13247705-A-T.
Other names: c.112T>A, p.Ser38Thr (NM_001261406.2, NM_001261407.2, NM_001330637.2 and 14 more transcripts); short protein forms S38T.
Identifiers: ClinVar variation 1436098 (VCV001436098.3), dbSNP rs2137780303, ClinGen allele CA373088284.
Genomic context (GRCh38, chr9:13,247,706, plus strand): 5'-GCTGCTGTACAGAAGTCTGAAGGCTCAGAATCTGACTGAAGAGAGGGCTCTGCAGGACTG[A>T]CTTCAGAAGGCTCAGTTTGTCTTCATTTGCTACATCCCCACGTTCTCGCAGCTTGGTTTG-3'
Protein context (NP_001365707.1, residues 28-48): ANEDKLSLLK[Ser38Thr]VLQSPLFSQI

ClinVar aggregate classification (germline): Uncertain significance (1 of 4 stars; one submission).

Submission:

Labcorp Genetics (formerly Invitae), Labcorp
Classification: Uncertain significance. Last evaluated: 2021-11-14. Review status: criteria provided, single submitter. Criteria: Invitae Variant Classification Sherloc (09022015). Collection method: clinical testing. Allele origin: germline.
Comment: This sequence change replaces serine, which is neutral and polar, with threonine, which is neutral and polar, at codon 38 of the MPDZ protein (p.Ser38Thr). This variant is not present in population databases (gnomAD no frequency). This variant has not been reported in the literature in individuals affected with MPDZ-related conditions. Algorithms developed to predict the effect of missense changes on protein structure and function (SIFT, PolyPhen-2, Align-GVGD) all suggest that this variant is likely to be disruptive. In summary, the available evidence is currently insufficient to determine the role of this variant in disease. Therefore, it has been classified as a Variant of Uncertain Significance.